The following is an entry in ClinVar:

ClinVar aggregate classification (germline): Uncertain significance. Review status: criteria provided, multiple submitters, no conflicts (2 of 4 stars). 2 submissions from 2 submitters: Uncertain significance (2). Last evaluated 2025-07-14.

Conditions:
Freeman-Sheldon syndrome (DA2A). Also called: CRANIOCARPOTARSAL DYSPLASIA; CRANIOCARPOTARSAL DYSTROPHY; WHISTLING FACE-WINDMILL VANE HAND SYNDROME; Arthrogryposis, distal, type 2A (Freeman-Sheldon). Identifiers: Orphanet 2053, MedGen C0265224, MONDO:0008675, OMIM 193700.
Contractures, pterygia, and variable skeletal fusions syndrome 1B. Also called: CONTRACTURES, PTERYGIA, AND SPONDYLOCARPOTARSAL FUSION SYNDROME 1B. Identifiers: MedGen C5193114, MONDO:0020746, OMIM 618469.
Contractures, pterygia, and spondylocarpotarsal fusion syndrome 1A (CPSFS1A). Also called: MULTIPLE PTERYGIUM SYNDROME, AUTOSOMAL DOMINANT; Distal arthrogryposis type 8; Contractures, pterygia, and variable skeletal fusions syndrome 1A. Identifiers: Orphanet 65743, MedGen C1867440, MONDO:0008338, OMIM 178110.
Arthrogryposis, distal, type 2B3. Also called: Arthrogryposis, distal, type 2B3 (Sheldon-Hall). Identifiers: MedGen C5193098, MONDO:0032751, OMIM 618436.

gnomAD v4.1: 2 of 1,614,048 alleles (0.00012%); highest among the groups gnomAD compares: East Asian, 0.0022%; no homozygotes.

Submissions (2):

Labcorp Genetics (formerly Invitae), Labcorp
Classification: Uncertain significance. Last evaluated: 2025-07-14. Review status: criteria provided, single submitter. Criteria: Invitae Variant Classification Sherloc (09022015). Collection method: clinical testing. Allele origin: germline.
Comment: This sequence change replaces glutamic acid, which is acidic and polar, with lysine, which is basic and polar, at codon 1712 of the MYH3 protein (p.Glu1712Lys). This variant is present in population databases (no rsID available, gnomAD 0.01%). This variant has not been reported in the literature in individuals affected with MYH3-related conditions. ClinVar contains an entry for this variant (Variation ID: 1991022). Invitae Evidence Modeling of protein sequence and biophysical properties (such as structural, functional, and spatial information, amino acid conservation, physicochemical variation, residue mobility, and thermodynamic stability) indicates that this missense variant is not expected to disrupt MYH3 protein function with a negative predictive value of 95%. In summary, the available evidence is currently insufficient to determine the role of this variant in disease. Therefore, it has been classified as a Variant of Uncertain Significance.

Juno Genomics, Hangzhou Juno Genomics, Inc
Classification: Uncertain significance for Freeman-Sheldon syndrome; Arthrogryposis, distal, type 2B3; Contractures, pterygia, and spondylocarpotarsal fusion syndrome 1A; Contractures, pterygia, and variable skeletal fusions syndrome 1B. Review status: criteria provided, single submitter. Criteria: ACMG Guidelines, 2015. Collection method: clinical testing. Allele origin: germline.
Comment: Absent from controls (or at extremely low frequency if recessive) in Genome Aggregation Database.;Missense variant in a gene that has a low rate of benign missense variation.;Multiple lines of computational evidence support a deleterious effect on the gene or gene product.

NM_002470.4(MYH3):c.5134G>A (p.Glu1712Lys)

Gene: MYH3 (myosin heavy chain 3; minus strand). Cytogenetic location: 17p13.1.
Variant type: single nucleotide variant.
Coding change: c.5134G>A on transcript NM_002470.4 (MANE Select); coding-DNA position 5134, G replaced by A.
Protein change: p.Glu1712Lys; replaces glutamic acid 1712 with lysine.
Molecular consequence: missense variant.
Genome position (GRCh38, 1-based): chr17:10,631,839, C>T on the plus strand (G>A on the coding strand, the complement: MYH3 is on the minus strand). VCF-style: chr17-10631839-C-T. GRCh37 (hg19) VCF-style: chr17-10535156-C-T.
Other names: short protein forms E1712K.
Identifiers: ClinVar variation 1991022 (VCV001991022.6), dbSNP rs376574468, ClinGen allele CA287780178.